The following is an entry in ClinVar:

ClinVar aggregate classification (germline): Uncertain significance. Review status: criteria provided, multiple submitters, no conflicts (2 of 4 stars). 2 submissions from 2 submitters: Uncertain significance (2). Last evaluated 2025-02-26.

Conditions:
Dilated cardiomyopathy 1JJ (CMD1JJ). Identifiers: Orphanet 154, MedGen C3808935, MONDO:0014095, OMIM 615235.
Cardiovascular phenotype. Identifiers: MedGen CN230736.

Submissions (2):

Labcorp Genetics (formerly Invitae), Labcorp
Classification: Uncertain significance for Dilated cardiomyopathy 1JJ. Last evaluated: 2025-02-26. Review status: criteria provided, single submitter. Criteria: Invitae Variant Classification Sherloc (09022015). Collection method: clinical testing. Allele origin: germline.
Comment: This variant, c.85_87del, results in the deletion of 1 amino acid(s) of the LAMA4 protein (p.Asp29del), but otherwise preserves the integrity of the reading frame. This variant is present in population databases (rs781840950, gnomAD 0.007%). This variant has not been reported in the literature in individuals affected with LAMA4-related conditions. ClinVar contains an entry for this variant (Variation ID: 518949). Experimental studies and prediction algorithms are not available or were not evaluated, and the functional significance of this variant is currently unknown. In summary, the available evidence is currently insufficient to determine the role of this variant in disease. Therefore, it has been classified as a Variant of Uncertain Significance.

Ambry Genetics
Classification: Uncertain significance for Cardiovascular phenotype. Last evaluated: 2016-10-11. Review status: criteria provided, single submitter. Criteria: Ambry Variant Classification Scheme 2023. Collection method: clinical testing. Allele origin: germline.
Comment: The c.85_87delGAC variant (also known as p.D29del) is located in coding exon 1 of the LAMA4 gene. This variant results from an in-frame deletion of three nucleotides at positions 85 to 87, causing the removal of an aspartic acid residue, which is not well conserved, at codon 29. Based on data from ExAC, the delGAC allele has an overall frequency less than 0.01% (1/58109). Since supporting evidence is limited at this time, the clinical significance of this alteration remains unclear.

NM_001105206.3(LAMA4):c.82GAC[1] (p.Asp29del)

Genes: LAMA4-AS1 (LAMA4 antisense RNA 1; plus strand), LAMA4 (laminin subunit alpha 4; minus strand). Cytogenetic location: 6q21.
Variant type: Microsatellite.
Coding change: c.82GAC[1] on transcript NM_001105206.3 (MANE Select); one copy of the 3-base unit GAC starting at c.82; the reference has two copies in a row; one copy, 3 bases deleted.
Protein change: p.Asp29del; deletes aspartic acid 29.
Molecular consequence: inframe deletion.
Genome position (GRCh38, 1-based): chr6:112,254,064-112,254,066, GTC deleted on the plus strand (GAC on the coding strand, the reverse complement: LAMA4 is on the minus strand); deleting any 3 consecutive bases within chr6:112,254,064-112,254,069 gives the same sequence; the position shown is the placement nearest the transcript's 3' end. VCF-style (leftmost placement, unchanged base first): chr6-112254063-TGTC-T. GRCh37 (hg19) VCF-style: chr6-112575265-TGTC-T.
Other names: c.85_87del (NM_002290.4); c.82GAC[1], p.Asp29del (NM_001105207.3, NM_001105208.3, NM_001105209.3 and 1 more transcripts); short protein forms D29del.
Identifiers: ClinVar variation 518949 (VCV000518949.13), dbSNP rs781840950, ClinGen allele CA3966341.
Genomic context (GRCh38, chr6:112,254,063, plus strand): 5'-TCTCAGGCGGGTCTTGCCTGCCAACCGCTGAGCTCCCTTCAATGTCAAAAGGAAAAGCGT[TGTC>T]GTCCCCGGACGCGGCGCGGGAGCAGGCAGCGCTCCAGAGGAGCCACAGAGGCAGAACCGA-3'